The following is an entry in ClinVar:

ClinVar aggregate classification (germline): Uncertain significance (1 of 4 stars; one submission).

Conditions:
Luscan-Lumish syndrome. Identifiers: Orphanet 597738, MedGen C4085873, MONDO:0014791, OMIM 616831.

Allele frequency attached by ClinVar (database versions not stated): gnomAD exomes below 0.00001; ExAC 0.00001.
gnomAD v4.1: 4 of 1,613,732 alleles (0.00025%); highest among the groups gnomAD compares: Non-Finnish European, 0.00034%; no homozygotes.

Submission:

Labcorp Genetics (formerly Invitae), Labcorp
Classification: Uncertain significance for Luscan-Lumish syndrome. Last evaluated: 2020-01-16. Review status: criteria provided, single submitter. Criteria: Invitae Variant Classification Sherloc (09022015). Collection method: clinical testing. Allele origin: germline.
Comment: This sequence change replaces aspartic acid with glutamic acid at codon 2064 of the SETD2 protein (p.Asp2064Glu). The aspartic acid residue is moderately conserved and there is a small physicochemical difference between aspartic acid and glutamic acid. This variant is present in population databases (rs748980966, ExAC 0.001%). This variant has not been reported in the literature in individuals with SETD2-related conditions. Algorithms developed to predict the effect of missense changes on protein structure and function output the following: SIFT: Tolerated; PolyPhen-2: Benign; Align-GVGD: Class C0. The glutamic acid amino acid residue is found in multiple mammalian species, suggesting that this missense change does not adversely affect protein function. These predictions have not been confirmed by published functional studies and their clinical significance is uncertain. In summary, the available evidence is currently insufficient to determine the role of this variant in disease. Therefore, it has been classified as a Variant of Uncertain Significance.

NM_014159.7(SETD2):c.6192C>G (p.Asp2064Glu)

Gene: SETD2 (SET domain containing 2, histone lysine methyltransferase; minus strand). Cytogenetic location: 3p21.31.
Variant type: single nucleotide variant.
Coding change: c.6192C>G on transcript NM_014159.7 (MANE Select); coding-DNA position 6192, C replaced by G.
Protein change: p.Asp2064Glu; replaces aspartic acid 2064 with glutamic acid.
Molecular consequence: missense variant. On other transcripts: non-coding transcript variant (1).
Genome position (GRCh38, 1-based): chr3:47,062,264, G>C on the plus strand (C>G on the coding strand, the complement: SETD2 is on the minus strand). VCF-style: chr3-47062264-G-C. GRCh37 (hg19) VCF-style: chr3-47103754-G-C.
Other names: c.6060C>G, p.Asp2020Glu (NM_001349370.3); short protein forms D2064E, D2020E.
Identifiers: ClinVar variation 1046455 (VCV001046455.1), dbSNP rs748980966, ClinGen allele CA2362749.
Genomic context (GRCh38, chr3:47,062,264, plus strand): 5'-GGGTGGTGAGAGGGAGCTTCTTCGTTTCCTTTTCTCTTTATTTTGAGTTTGCTTGTCTGG[G>C]TCTCTCTCTCTTGACCTATTAGGAGTCTTCGGGGCAGGTGTTTGATCTCTGAAGCCAACA-3'
Protein context (NP_054878.5, residues 2054-2074): PKTPNRSRER[Asp2064Glu]PDKQTQNKEK